The following is an entry in ClinVar:

NM_194255.4(SLC19A1):c.1242C>A (p.Ile414=)

Gene: SLC19A1 (solute carrier family 19 member 1; minus strand). Cytogenetic location: 21q22.3.
Variant type: single nucleotide variant.
Coding change: c.1242C>A on transcript NM_194255.4 (MANE Select); coding-DNA position 1242, C replaced by A.
Protein change: p.Ile414=; no amino-acid change (isoleucine 414 retained).
Molecular consequence: synonymous variant.
Genome position (GRCh38, 1-based): chr21:45,525,868, G>T on the plus strand (C>A on the coding strand, the complement: SLC19A1 is on the minus strand). VCF-style: chr21-45525868-G-T. GRCh37 (hg19) VCF-style: chr21-46945782-G-T.
Other names: c.1242C>A, p.Ile414= (NM_001205206.4, NM_001352511.3, NM_001352512.2); c.1122C>A, p.Ile374= (NM_001205207.3); c.888C>A, p.Ile296= (NM_001352510.2).
Identifiers: ClinVar variation 777643 (VCV000777643.13), dbSNP rs57725551, ClinGen allele CA10068363.

ClinVar aggregate classification (germline): Benign. Review status: criteria provided, multiple submitters, no conflicts (2 of 4 stars). 3 submissions from 3 submitters: Benign (2). 1 of the submissions does not count toward it. Last evaluated 2026-01-21.

Conditions:
SLC19A1-related disorder. Also called: SLC19A1-related condition.

Allele frequency attached by ClinVar (database versions not stated): gnomAD 0.00690 and 0.00663; TOPMed 0.00697; ESP Exome Variant Server 0.00723; gnomAD exomes 0.00261 and 0.00527; ExAC 0.00608; 1000 Genomes Project 0.01278; 1000 Genomes Project 30x 0.01296.
gnomAD v4.1: 4,922 of 1,613,618 alleles (0.31%); highest among the groups gnomAD compares: South Asian, 2.3%; 74 homozygotes.

Submissions (3):

Labcorp Genetics (formerly Invitae), Labcorp
Classification: Benign. Last evaluated: 2026-01-21. Review status: criteria provided, single submitter. Criteria: Invitae Variant Classification Sherloc (09022015). Collection method: clinical testing. Allele origin: germline.

Breakthrough Genomics
Classification: Benign. Review status: criteria provided, single submitter. Criteria: ACMG Guidelines, 2015. Collection method: not provided. Allele origin: germline. Inheritance: Autosomal recessive inheritance. Affected: yes.

PreventionGenetics, part of Exact Sciences
Classification: Benign for SLC19A1-related condition. Last evaluated: 2020-01-07. Review status: no assertion criteria provided. Collection method: clinical testing. Allele origin: germline. Not counted in ClinVar's aggregate classification.
Comment: This variant is classified as benign based on ACMG/AMP sequence variant interpretation guidelines (Richards et al. 2015 PMID: 25741868, with internal and published modifications).